The following is an entry in ClinVar:

NM_000049.4(ASPA):c.162C>A (p.Asn54Lys)

Genes: ASPA (aspartoacylase; plus strand), SPATA22 (spermatogenesis associated 22; minus strand). Cytogenetic location: 17p13.2.
Variant type: single nucleotide variant.
Coding change: c.162C>A on transcript NM_000049.4 (MANE Select); coding-DNA position 162, C replaced by A.
Protein change: p.Asn54Lys; replaces asparagine 54 with lysine.
Molecular consequence: missense variant. On other transcripts: intron variant (2).
Genome position (GRCh38, 1-based): chr17:3,476,321, C>A. VCF-style: chr17-3476321-C-A. GRCh37 (hg19) VCF-style: chr17-3379615-C-A.
Other names: c.162C>A, p.Asn54Lys (NM_001128085.1); c.-73-6923G>T (NM_001321336.2, NM_001321337.2); short protein forms N54K.
Identifiers: ClinVar variation 839442 (VCV000839442.13), dbSNP rs779440632, ClinGen allele CA8288856.

ClinVar aggregate classification (germline): Pathogenic/Likely pathogenic. Review status: criteria provided, multiple submitters, no conflicts (2 of 4 stars). 7 submissions from 7 submitters: Pathogenic (3); Likely pathogenic (4). Last evaluated 2025-08-31.

Conditions:
Spongy degeneration of central nervous system. Also called: ACY2 DEFICIENCY; AMINOACYLASE 2 DEFICIENCY; ASP DEFICIENCY; ASPA DEFICIENCY; ASPARTOACYLASE DEFICIENCY; CANAVAN-VAN BOGAERT-BERTRAND DISEASE. Identifiers: Orphanet 141, MedGen C0206307, MONDO:0010079, OMIM 271900.

Allele frequency attached by ClinVar (database versions not stated): gnomAD exomes 0.00001; ExAC 0.00002.
gnomAD v4.1: 3 of 1,614,146 alleles (0.00019%); highest among the groups gnomAD compares: South Asian, 0.0022%; no homozygotes.

Submissions (7):

Natera, Inc.
Classification: Likely pathogenic for Canavan Disease. Last evaluated: 2025-08-31. Review status: criteria provided, single submitter. Criteria: Natera Variant Classification Schema (03/2026). Collection method: clinical testing. Allele origin: germline.
Comment: The c.162C>A variant in ASPA is a missense variant predicted to cause substitution of asparagine to lysine at amino acid 54. This variant is rare in the general population with a frequency below the threshold expected for the associated phenotype(s). This variant has been observed in one or more individuals affected with the associated recessive disease, as either homozygous or compound heterozygous with a second variant (PMID: 32403196, 22878930). This variant has been identified in one or more affected individuals with a phenotype highly consistent with the associated gene (PMID: 32403196). Computational prediction algorithms indicate this variant is likely to affect gene or protein function. Given the available evidence, this variant is classified as Likely Pathogenic.

GeneDx
Classification: Likely pathogenic. Last evaluated: 2024-08-02. Review status: criteria provided, single submitter. Criteria: GeneDx Variant Classification Process June 2021. Collection method: clinical testing. Allele origin: germline. Affected: yes.
Comment: In silico analysis supports that this missense variant has a deleterious effect on protein structure/function; Not observed at significant frequency in large population cohorts (gnomAD); This variant is associated with the following publications: (PMID: 22878930, 17194761, 15243987, 32403196, 38740822, Yalcintepe2024(paper), 33083013, 34446995)

Labcorp Genetics (formerly Invitae), Labcorp
Classification: Pathogenic for Spongy degeneration of central nervous system. Last evaluated: 2023-10-04. Review status: criteria provided, single submitter. Criteria: Invitae Variant Classification Sherloc (09022015). Collection method: clinical testing. Allele origin: germline.
Comment: This sequence change replaces asparagine, which is neutral and polar, with lysine, which is basic and polar, at codon 54 of the ASPA protein (p.Asn54Lys). This variant is present in population databases (rs779440632, gnomAD 0.006%). This missense change has been observed in individual(s) with clinical features of Canavan disease (PMID: 15243987, 22878930, 32403196; Invitae). ClinVar contains an entry for this variant (Variation ID: 839442). Advanced modeling of protein sequence and biophysical properties (such as structural, functional, and spatial information, amino acid conservation, physicochemical variation, residue mobility, and thermodynamic stability) performed at Invitae indicates that this missense variant is expected to disrupt ASPA protein function. For these reasons, this variant has been classified as Pathogenic.

Baylor Genetics
Classification: Likely pathogenic for Spongy degeneration of central nervous system. Last evaluated: 2022-01-07. Review status: criteria provided, single submitter. Criteria: ACMG Guidelines, 2015. Collection method: clinical testing. Allele origin: unknown.

Genome-Nilou Lab
Classification: Likely pathogenic for Spongy degeneration of central nervous system. Last evaluated: 2021-11-07. Review status: criteria provided, single submitter. Criteria: ACMG Guidelines, 2015. Collection method: clinical testing. Allele origin: germline. Affected: no.

CENTOGENE GmbH and LLC - Guiding Precision Medicine
Classification: Pathogenic for Canavan disease. Review status: criteria provided, single submitter. Criteria: ACMG Guidelines, 2015. Collection method: clinical testing. Allele origin: germline. Affected: yes.

Neuberg Centre For Genomic Medicine, NCGM
Classification: Pathogenic for Spongy degeneration of central nervous system. Review status: criteria provided, single submitter. Criteria: ACMG Guidelines, 2015. Collection method: clinical testing. Allele origin: germline. Inheritance: Autosomal recessive inheritance. Affected: yes.
Comment: The observed missense c.162C>A (p.Asn54Lys) variant in ASPA gene has been previously reported in multiple individuals affected with Canavan disease (Bibi et al., 2020; Bijarnia et al., 2013; Howell et al., 2004; Gowda et al., 2021). This variant is present with the allele frequency of 0.001% in the gnomAD Exomes. This variant has been submitted to the ClinVar database as Likley Pathogenic/ Pathogenic. Multiple lines of computational evidence (Polyphen - Probably Damaging, SIFT - Damaging and MutationTaster - Disease causing) predict a damaging effect on protein structure and function for this variant. The reference amino acid of p.Asn54Lys in ASPA is predicted as conserved by GERP++ and PhyloP across 100 vertebrates. The amino acid Asn at position 54 is changed to a Lys changing protein sequence and it might alter its composition and physico-chemical properties. For these reasons, this variant has been classified as Pathogenic.

Literature cited by the submitters: PubMed 32403196 (cited by Natera, Inc. and Labcorp Genetics (formerly Invitae), Labcorp); PubMed 22878930 (cited by Natera, Inc. and Labcorp Genetics (formerly Invitae), Labcorp); PubMed 15243987 (cited by Labcorp Genetics (formerly Invitae), Labcorp).